The following is an entry in ClinVar:

ClinVar aggregate classification (germline): Uncertain significance. Review status: criteria provided, multiple submitters, no conflicts (2 of 4 stars). 2 submissions from 2 submitters: Uncertain significance (2). Last evaluated 2022-08-16.

Conditions:
ALG11-congenital disorder of glycosylation. Also called: CONGENITAL DISORDER OF GLYCOSYLATION, TYPE Ip; ALG11-CDG. Identifiers: Orphanet 280071, MedGen C3150913, MONDO:0013349, OMIM 613661.

Allele frequency attached by ClinVar (database versions not stated): TOPMed 0.00003; gnomAD 0.00005 and 0.00006; ESP Exome Variant Server 0.00008.
gnomAD v4.1: 75 of 1,614,080 alleles (0.0046%); highest among the groups gnomAD compares: South Asian, 0.0066%; no homozygotes.

Submissions (2):

Labcorp Genetics (formerly Invitae), Labcorp
Classification: Uncertain significance for ALG11-congenital disorder of glycosylation. Last evaluated: 2022-08-16. Review status: criteria provided, single submitter. Criteria: Invitae Variant Classification Sherloc (09022015). Collection method: clinical testing. Allele origin: germline.
Comment: This variant is present in population databases (rs144883776, gnomAD 0.09%). In summary, the available evidence is currently insufficient to determine the role of this variant in disease. Therefore, it has been classified as a Variant of Uncertain Significance. Algorithms developed to predict the effect of missense changes on protein structure and function (SIFT, PolyPhen-2, Align-GVGD) all suggest that this variant is likely to be disruptive. ClinVar contains an entry for this variant (Variation ID: 882011). This variant has not been reported in the literature in individuals affected with ALG11-related conditions. This sequence change replaces arginine, which is basic and polar, with histidine, which is basic and polar, at codon 346 of the ALG11 protein (p.Arg346His).

Illumina Laboratory Services, Illumina
Classification: Uncertain significance for ALG11-congenital disorder of glycosylation. Last evaluated: 2018-01-12. Review status: criteria provided, single submitter. Criteria: ICSL Variant Classification Criteria 13 December 2019. Collection method: clinical testing. Allele origin: germline.

NM_001004127.3(ALG11):c.1037G>A (p.Arg346His)

Genes: ALG11 (ALG11 alpha-1,2-mannosyltransferase; plus strand), UTP14C (UTP14C small subunit processome component; plus strand). Cytogenetic location: 13q14.3.
Variant type: single nucleotide variant.
Coding change: c.1037G>A on transcript NM_001004127.3 (MANE Select); coding-DNA position 1037, G replaced by A.
Protein change: p.Arg346His; replaces arginine 346 with histidine.
Molecular consequence: missense variant. On other transcripts: 5 prime UTR variant (1).
Genome position (GRCh38, 1-based): chr13:52,024,767, G>A. VCF-style: chr13-52024767-G-A. GRCh37 (hg19) VCF-style: chr13-52598903-G-A.
Other names: c.-657G>A (NM_021645.6); short protein forms R346H.
Identifiers: ClinVar variation 882011 (VCV000882011.13), dbSNP rs144883776, ClinGen allele CA6990009.